The following is an entry in ClinVar:

NM_024426.6(WT1):c.13T>C (p.Leu5=)

Genes: WT1 (WT1 transcription factor; minus strand), LOC107982234 (WT1/WT1-AS bi-directional promoter region; plus strand). Cytogenetic location: 11p13.
Variant type: single nucleotide variant.
Coding change: c.13T>C on transcript NM_024426.6 (MANE Select); coding-DNA position 13, T replaced by C.
Protein change: p.Leu5=; no amino-acid change (leucine 5 retained).
Molecular consequence: synonymous variant. On other transcripts: 5 prime UTR variant (4), non-coding transcript variant (2).
Genome position (GRCh38, 1-based): chr11:32,435,348, A>G on the plus strand (T>C on the coding strand, the complement: WT1 is on the minus strand). VCF-style: chr11-32435348-A-G. GRCh37 (hg19) VCF-style: chr11-32456894-A-G.
Other names: c.13T>C, p.Leu5= (NM_000378.6, NM_001407044.1, NM_001407045.1 and 6 more transcripts); c.-207T>C (NM_001429031.1, NM_001429032.1, NM_001429033.1 and 1 more transcripts).
Identifiers: ClinVar variation 3386212 (VCV003386212.1).

ClinVar aggregate classification (germline): Uncertain significance (1 of 4 stars; one submission).

Conditions:
Wilms tumor 1 (WT1). Also called: Wilms tumor, somatic. Identifiers: Orphanet 654, MedGen CN033288, MONDO:0008679, OMIM 194070.

Submission:

All of Us Research Program, National Institutes of Health
Classification: Uncertain significance for Wilms tumor 1. Last evaluated: 2024-02-22. Review status: criteria provided, single submitter. Criteria: ACMG Guidelines, 2015. Collection method: clinical testing. Allele origin: germline. Inheritance: Autosomal dominant inheritance. Observed: 1 variant allele, 1 heterozygote.
Comment: This variant is located in the 5' untranslated region of the WT1 gene, causing a T>C nucleotide change at the -3 nucleotide position in the reference transcripts, ENST00000332351 and NM_024426.4. For different reference transcripts, ENST00000452863 and NM_024426.6, this is a synonymous variant c.13T>C (p.Leu5=). To our knowledge, functional studies have not been reported for this variant. This variant has not been reported in individuals affected with WT1-related disorders in the literature. This variant has not been identified in the general population by the Genome Aggregation Database (gnomAD). The available evidence is insufficient to determine the role of this variant in disease conclusively. Therefore, this variant is classified as a Variant of Uncertain Significance.

This study involves interpretation of variants in research participants for the purpose of population health screening. Participant phenotype was not available at the time of variant classification. Additional details can be found in publication PMID: 35346344, PMCID: PMC8962531